The following is an entry in ClinVar:

NM_002473.6(MYH9):c.2114G>A (p.Arg705His)

Gene: MYH9 (myosin heavy chain 9; minus strand). Cytogenetic location: 22q12.3.
Variant type: single nucleotide variant.
Coding change: c.2114G>A on transcript NM_002473.6 (MANE Select); coding-DNA position 2114, G replaced by A.
Protein change: p.Arg705His; replaces arginine 705 with histidine.
Molecular consequence: missense variant.
Genome position (GRCh38, 1-based): chr22:36,305,975, C>T on the plus strand (G>A on the coding strand, the complement: MYH9 is on the minus strand). VCF-style: chr22-36305975-C-T. GRCh37 (hg19) VCF-style: chr22-36702021-C-T.
Other names: c.2114G>A (NM_002473.5); short protein forms R705H.
Identifiers: ClinVar variation 14079 (VCV000014079.22), dbSNP rs80338828, ClinGen allele CA257097.

ClinVar aggregate classification (germline): Pathogenic/Likely pathogenic. Review status: criteria provided, multiple submitters, no conflicts (2 of 4 stars). 11 submissions from 11 submitters: Pathogenic (5); Likely pathogenic (4). 2 of the submissions do not count toward it. Last evaluated 2026-04-30.

Conditions:
MYH9-related disorder. Identifiers: MedGen C1854520.
Macrothrombocytopenia and granulocyte inclusions with or without nephritis or sensorineural hearing loss (MATINS). Also called: SEBASTIAN PLATELET SYNDROME; MACROTHROMBOCYTOPENIA WITH DISPERSED LEUKOCYTIC INCLUSIONS; MACROTHROMBOCYTOPENIA, NEPHRITIS, AND DEAFNESS; MACROTHROMBOCYTOPENIA, NEPHRITIS, DEAFNESS, AND LEUKOCYTE INCLUSIONS; ALPORT SYNDROME WITH MACROTHROMBOCYTOPENIA; Fechtner syndrome. Identifiers: Orphanet 182050, MedGen C5200934, MONDO:0015912, OMIM 155100.
Autosomal dominant nonsyndromic hearing loss 17. Also called: Autosomal dominant nonsyndromic deafness 17; Deafness, autosomal dominant 17. Identifiers: Orphanet 90635, MedGen C1863659, MONDO:0011350, OMIM 603622.

Submissions (11):

Laboratory of Molecular, Cellular and Translation Genetics in Otolaryngology/ Lim32-hcfmusp, University of Sao Paulo School of Medicine Clinics Hospital
Classification: Pathogenic for Autosomal dominant nonsyndromic hearing loss 17. Last evaluated: 2026-04-30. Review status: criteria provided, single submitter. Criteria: ACMG Guidelines, 2015. Collection method: research. Allele origin: germline. Affected: yes.
Comment: NM_002473.6:c.2114G>A :p.(Arg705His). This variant has been classified as pathogenic. It is absent from population databases (PM2), and in silico prediction tools support a deleterious effect on splicing (PP3_moderate). It has been repeatedly reported in individuals with nonsyndromic hearing loss (PS4) and has been shown to segregate with hearing loss in affected families (PP1_moderate).

Labcorp Genetics (formerly Invitae), Labcorp
Classification: Pathogenic. Last evaluated: 2025-06-19. Review status: criteria provided, single submitter. Criteria: Invitae Variant Classification Sherloc (09022015). Collection method: clinical testing. Allele origin: germline.
Comment: This sequence change replaces arginine, which is basic and polar, with histidine, which is basic and polar, at codon 705 of the MYH9 protein (p.Arg705His). This variant is not present in population databases (gnomAD no frequency). This missense change has been observed in individuals with MYH9-related disorders (PMID: 11023810, 24890873, 25505834). It has also been observed to segregate with disease in related individuals. ClinVar contains an entry for this variant (Variation ID: 14079). Invitae Evidence Modeling of protein sequence and biophysical properties (such as structural, functional, and spatial information, amino acid conservation, physicochemical variation, residue mobility, and thermodynamic stability) indicates that this missense variant is expected to disrupt MYH9 protein function with a positive predictive value of 80%. Experimental studies are conflicting or provide insufficient evidence to determine the effect of this variant on MYH9 function (PMID: 18330899, 20416459). For these reasons, this variant has been classified as Pathogenic.

GeneDx
Classification: Likely pathogenic. Last evaluated: 2024-12-18. Review status: criteria provided, single submitter. Criteria: GeneDx Variant Classification Process June 2021. Collection method: clinical testing. Allele origin: germline. Affected: yes.
Comment: Published in vitro functional studies demonstrate NMHC-IIA-mediated cellular functions may be disrupted (PMID: 20416459); Not observed at significant frequency in large population cohorts (gnomAD); In silico analysis supports that this missense variant has a deleterious effect on protein structure/function; This variant is associated with the following publications: (PMID: 11590545, 18330899, 27018795, 25505834, 30916803, 24890873, 9390828, 20301740, 17146397, 11023810, 38400873, 20416459, 25077172)

Fulgent Genetics
Classification: Likely pathogenic for Macrothrombocytopenia and granulocyte inclusions with or without nephritis or sensorineural hearing loss; Autosomal dominant nonsyndromic hearing loss 17. Last evaluated: 2024-04-26. Review status: criteria provided, single submitter. Criteria: ACMG Guidelines, 2015. Collection method: clinical testing. Allele origin: germline.

3billion
Classification: Likely pathogenic for Macrothrombocytopenia and granulocyte inclusions with or without nephritis or sensorineural hearing loss. Last evaluated: 2024-02-21. Review status: criteria provided, single submitter. Criteria: ACMG Guidelines, 2015. Collection method: clinical testing. Allele origin: germline. Affected: yes.
Comment: The variant is not observed in the gnomAD v2.1.1 dataset. Predicted Consequence/Location: Missense changes are a common disease-causing mechanism. In silico tool predictions suggest damaging effect of the variant on gene or gene product [REVEL: 0.83 (>=0.6, sensitivity 0.68 and specificity 0.92); 3Cnet: 0.91 (>=0.6, sensitivity 0.72 and precision 0.9)]. Same nucleotide change resulting in same amino acid change has been previously reported as pathogenic/likely pathogenic with strong evidence (ClinVar ID: VCV000014079 /PMID: 11023810). Therefore, this variant is classified as Likely pathogenic according to the recommendation of ACMG/AMP guideline.

Blueprint Genetics
Classification: Pathogenic for MYH9-related disorders. Last evaluated: 2024-02-02. Review status: criteria provided, single submitter. Criteria: ACMG Guidelines, 2015. Collection method: clinical testing. Allele origin: germline. Affected: yes. Observed: 5 variant alleles.

Victorian Clinical Genetics Services, Murdoch Childrens Research Institute
Classification: Pathogenic for Macrothrombocytopenia and granulocyte inclusions with or without nephritis or sensorineural hearing loss. Last evaluated: 2022-03-31. Review status: criteria provided, single submitter. Criteria: ACMG Guidelines, 2015. Collection method: clinical testing. Allele origin: germline. Inheritance: Autosomal dominant inheritance.
Comment: Based on the classification scheme VCGS_Germline_v1.3.4, this variant is classified as Pathogenic. Following criteria are met: 0103 - Dominant negative and loss of function are likely mechanisms of disease in this gene and are associated with autosomal dominant deafness 17 (MIM#603622) and macrothrombocytopenia and granulocyte inclusions with or without nephritis or sensorineural hearing loss (MIM#155100) (PMIDs: 20301740, 32545517). (I) 0107 - This gene is associated with autosomal dominant disease. (I) 0115 - Variants in this gene are known to have variable expressivity. Expressivity varies for onset and severity of sensorineural deafness, glomerular nephropathy, presenile cataract, and alterations of liver enzymes. (PMID: 20301740) 0200 - Variant is predicted to result in a missense amino acid change from arginine to histidine. (I) 0251 - This variant is heterozygous. (I) 0301 - Variant is absent from gnomAD (both v2 and v3). (SP) 0309 - An alternative amino acid change at the same position has been observed in gnomAD (v3) (1 heterozygote, 0 homozygotes). (I) 0501 - Missense variant consistently predicted to be damaging by multiple in silico tools or highly conserved with a major amino acid change. (SP) 0600 - Variant is located in the annotated myosin head (motor domain) (DECIPHER). (I) 0801 - This variant has strong previous evidence of pathogenicity in unrelated individuals. It has been reported in multiple unrelated individuals with hearing loss, with or without thrombocytopenia (PMIDs: 11023810, 17146397, 24890873, 25077172). It has also been reported as likely pathogenic/pathogenic in ClinVar and Deafness Variation Database. (SP) 0901 - This variant has strong evidence for segregation with disease. It co-segregated with non-syndromic hearing loss in nine affected individuals in a multi-generational family (PMID: 17146397). (SP) 1208 - Inheritance information for this variant is not currently available in this individual. (I) Legend: (SP) - Supporting pathogenic, (I) - Information, (SB) - Supporting benign

Precision Medicine Center, Zhengzhou University
Classification: Pathogenic for Autosomal dominant nonsyndromic hearing loss 17. Last evaluated: 2006-06-30. Review status: criteria provided, single submitter. Criteria: ClinGen HL ACMG Specifications v1. Collection method: clinical testing. Allele origin: unknown. Affected: yes.
Comment: PP1_strong+PS4_moderate+PM2+PS3_supporting+PP3:The MYH9 c.2114G>A variant is absent or extremely rare in population databases (PM2). It demonstrates strong co-segregation with disease in affected family members （PMID: 20416459）(PP1_Strong), at least 6 probands with variant (PMID: 11023810,20416459, 41751538, 41398921,24890873)(PS4_Moderate). Supporting functional studies indicate impaired protein function (PMID: 11023810)(PS3_Supporting), and multiple computational prediction tools support a deleterious effect (PP3). According to the ACMG/AMP guidelines, this variant is classified as Pathogenic.

ISTH-SSC Genomics in Thrombosis and Hemostasis, KU Leuven, Center for Molecular and Vascular Biology
Classification: Likely pathogenic for Macrothrombocytopenia and granulocyte inclusions with or without nephritis or sensorineural hearing loss. Review status: criteria provided, single submitter. Criteria: ACMG Guidelines, 2015. Collection method: clinical testing. Allele origin: germline. Affected: yes. Observed: 1 heterozygote.
Comment: Submitted to GoldVariant by Jose María Bastida and José Rivera; Grupo Español de Alteraciones Plaquetarias Congénitas (GEAPC)

OMIM
Classification: Pathogenic for DEAFNESS, AUTOSOMAL DOMINANT 17. Last evaluated: 2006-12-01. Review status: no assertion criteria provided. Collection method: literature only. Allele origin: germline. Not counted in ClinVar's aggregate classification.

GeneReviews
No classification provided. Condition: Macrothrombocytopenia and granulocyte inclusions with or without nephritis or sensorineural hearing loss. Review status: no classification provided. Collection method: literature only. Allele origin: germline. Not counted in ClinVar's aggregate classification.

Literature cited by the submitters: PubMed 24890873 (cited by 5 submitters); PubMed 20416459 (cited by 3 submitters); PubMed 11023810 (cited by 7 submitters); PubMed 25505834 (cited by 3 submitters); PubMed 42233699 (cited by Laboratory of Molecular, Cellular and Translation Genetics in Otolaryngology/ Lim32-hcfmusp, University of Sao Paulo School of Medicine Clinics Hospital); PubMed 18330899 (cited by Labcorp Genetics (formerly Invitae), Labcorp); PubMed 17146397 (cited by Victorian Clinical Genetics Services, Murdoch Childrens Research Institute and OMIM); PubMed 20301740 (cited by Victorian Clinical Genetics Services, Murdoch Childrens Research Institute); PubMed 25077172 (cited by Victorian Clinical Genetics Services, Murdoch Childrens Research Institute); PubMed 32545517 (cited by Victorian Clinical Genetics Services, Murdoch Childrens Research Institute); PubMed 41751538 (cited by Precision Medicine Center, Zhengzhou University); PubMed 41398921 (cited by Precision Medicine Center, Zhengzhou University); PubMed 9390828 (cited by OMIM); NCBI Bookshelf NBK2689 (cited by GeneReviews).